The following is an entry in ClinVar:

ClinVar aggregate classification (germline): Uncertain significance. Review status: criteria provided, multiple submitters, no conflicts (2 of 4 stars). 3 submissions from 3 submitters: Uncertain significance (3). Last evaluated 2022-07-12.

Conditions:
Inborn genetic diseases. Identifiers: MedGen C0950123, MeSH D030342.
Hypertrophic cardiomyopathy. Also called: HYPERTROPHIC MYOCARDIOPATHY. Identifiers: Orphanet 217569, MedGen C0007194, MeSH D002312, MONDO:0005045, HP:0001639.

Submissions (3):

Labcorp Genetics (formerly Invitae), Labcorp
Classification: Uncertain significance for Hypertrophic cardiomyopathy. Last evaluated: 2022-07-12. Review status: criteria provided, single submitter. Criteria: Invitae Variant Classification Sherloc (09022015). Collection method: clinical testing. Allele origin: germline.
Comment: In summary, the available evidence is currently insufficient to determine the role of this variant in disease. Therefore, it has been classified as a Variant of Uncertain Significance. Experimental studies and prediction algorithms are not available or were not evaluated, and the functional significance of this variant is currently unknown. ClinVar contains an entry for this variant (Variation ID: 521622). This variant has been observed in individual(s) with clinical features of distal myopathy (Invitae). This variant is not present in population databases (gnomAD no frequency). This variant, c.4414_4416del, results in the deletion of 1 amino acid(s) of the MYH7 protein (p.Lys1472del), but otherwise preserves the integrity of the reading frame.

Revvity Omics, Revvity
Classification: Uncertain significance. Last evaluated: 2021-04-05. Review status: criteria provided, single submitter. Criteria: ACMG Guidelines, 2015. Collection method: clinical testing. Allele origin: germline.

Ambry Genetics
Classification: Uncertain significance for Inborn genetic diseases. Last evaluated: 2017-03-06. Review status: criteria provided, single submitter. Criteria: Ambry exome assertion method (8-5-2015). Collection method: clinical testing. Allele origin: germline. Affected: yes. Observed: 1 variant allele.

NM_000257.4(MYH7):c.4414_4416del (p.Lys1472del)

Genes: MHRT (myosin heavy chain associated RNA transcript; plus strand), MYH7 (myosin heavy chain 7; minus strand). Cytogenetic location: 14q11.2.
Variant type: Deletion.
Coding change: c.4414_4416del on transcript NM_000257.4 (MANE Select); coding-DNA positions 4414 to 4416, 3 bases deleted (AAG; older notation c.4414_4416delAAG).
Protein change: p.Lys1472del; deletes lysine 1472.
Molecular consequence: inframe deletion. On other transcripts: non-coding transcript variant (1).
Genome position (GRCh38, 1-based): chr14:23,417,256-23,417,258, CTT deleted on the plus strand (AAG on the coding strand, the reverse complement: MYH7 is on the minus strand); deleting any 3 consecutive bases within chr14:23,417,256-23,417,260 gives the same sequence; the c. name uses the placement nearest the transcript's 3' end. VCF-style (leftmost placement, unchanged base first): chr14-23417255-CCTT-C. GRCh37 (hg19) VCF-style: chr14-23886464-CCTT-C.
Other names: c.4414_4416del (LRG_384t1); short protein forms K1472del.
Identifiers: ClinVar variation 521622 (VCV000521622.15), dbSNP rs1555336672, ClinGen allele CA658798182.
Genomic context (GRCh38, chr14:23,417,255, plus strand): 5'-CCAGGGACTCCTCATAGGCGTTCTTGAGTTTGAAGAGCTCTGTGCTGAGGGAGCGAGCCT[CCTT>C]CTGCGAGGACTCCAGCTCCGACTGCGACTCCTCATACTTCTGCTTCCACTCGGCCAGGAT-3'